The following is an entry in ClinVar:

ClinVar aggregate classification (germline): Uncertain significance (1 of 4 stars; one submission).

Conditions:
Inborn genetic diseases. Identifiers: MedGen C0950123, MeSH D030342.

gnomAD v4.1: 4 of 1,613,852 alleles (0.00025%); highest among the groups gnomAD compares: South Asian, 0.0044%; no homozygotes.

Submission:

Ambry Genetics
Classification: Uncertain significance for Inborn genetic diseases. Last evaluated: 2026-05-11. Review status: criteria provided, single submitter. Criteria: Ambry Variant Classification Scheme 2023. Collection method: clinical testing. Allele origin: germline.
Comment: The c.1055C>T (p.T352I) alteration is located in exon 8 (coding exon 6) of the GLUL gene. This alteration results from a C to T substitution at nucleotide position 1055, causing the threonine (T) at amino acid position 352 to be replaced by an isoleucine (I). Based on data from gnomAD, the T allele has an overall frequency of <0.001% (1/251318) total alleles studied. The highest observed frequency was 0.003% (1/30610) of South Asian alleles. Based on insufficient or conflicting evidence, the clinical significance of this alteration remains unclear.

NM_001033044.4(GLUL):c.1055C>T (p.Thr352Ile)

Gene: GLUL (glutamate-ammonia ligase; minus strand). Cytogenetic location: 1q25.3.
Variant type: single nucleotide variant.
Coding change: c.1055C>T on transcript NM_001033044.4 (MANE Select); coding-DNA position 1055, C replaced by T.
Protein change: p.Thr352Ile; replaces threonine 352 with isoleucine.
Molecular consequence: missense variant.
Genome position (GRCh38, 1-based): chr1:182,384,472, G>A on the plus strand (C>T on the coding strand, the complement: GLUL is on the minus strand). VCF-style: chr1-182384472-G-A. GRCh37 (hg19) VCF-style: chr1-182353607-G-A.
Other names: c.1055C>T, p.Thr352Ile (NM_001033056.4, NM_002065.7); short protein forms T352I.
Identifiers: ClinVar variation 4858117 (VCV004858117.1).